The following is an entry in ClinVar:

NM_000214.3(JAG1):c.443C>T (p.Pro148Leu)

Gene: JAG1 (jagged canonical Notch ligand 1; minus strand). Cytogenetic location: 20p12.2.
Variant type: single nucleotide variant.
Coding change: c.443C>T on transcript NM_000214.3 (MANE Select); coding-DNA position 443, C replaced by T.
Protein change: p.Pro148Leu; replaces proline 148 with leucine.
Molecular consequence: missense variant.
Genome position (GRCh38, 1-based): chr20:10,658,719, G>A on the plus strand (C>T on the coding strand, the complement: JAG1 is on the minus strand). VCF-style: chr20-10658719-G-A. GRCh37 (hg19) VCF-style: chr20-10639367-G-A.
Other names: short protein forms P148L.
Identifiers: ClinVar variation 5006355 (VCV005006355.2).
Genomic context (GRCh38, chr20:10,658,719, plus strand): 5'-TGCCACTGCCGGCTGGGGTTGATCATGCCCGAGTGAGAAGCCTTTTCAATAATACTGTCA[G>A]GTTCTAGAGACAAAGTGATGAATCATGTTAATATTCACATTGCAGCCTTCTTCCCTGACC-3'
Protein context (NP_000205.1, residues 138-158): AWDSSNDTVQ[Pro148Leu]DSIIEKASHS

ClinVar aggregate classification (germline): Uncertain significance (1 of 4 stars; one submission).

Conditions:
Charcot-Marie-Tooth disease, axonal, Type 2HH. Also called: CHARCOT-MARIE-TOOTH NEUROPATHY, TYPE 2HH. Identifiers: MedGen C5562003, MONDO:0030458, OMIM 619574.
Tetralogy of Fallot (TOF). Identifiers: Orphanet 3303, MedGen C0039685, MONDO:0008542, OMIM 187500, HP:0001636.
Deafness, congenital heart defects, and posterior embryotoxon (DCHE). Identifiers: MedGen C1866053, MONDO:0060713, OMIM 617992.
Alagille syndrome due to a JAG1 point mutation. Also called: Alagille Syndrome 1; HEPATIC DUCTULAR HYPOPLASIA, SYNDROMATIC; JAG1-Related Alagille Syndrome. Identifiers: Orphanet 261619, Orphanet 52, MedGen C1956125, MONDO:0016862, OMIM 118450.

Submission:

Juno Genomics, Hangzhou Juno Genomics, Inc
Classification: Uncertain significance for Tetralogy of Fallot; Deafness, congenital heart defects, and posterior embryotoxon; Alagille syndrome due to a JAG1 point mutation; Charcot-Marie-Tooth disease, axonal, Type 2HH. Review status: criteria provided, single submitter. Criteria: ACMG Guidelines, 2015. Collection method: clinical testing. Allele origin: germline.
Comment: Absent from controls (or at extremely low frequency if recessive) in Genome Aggregation Database.;Missense variant in a gene that has a low rate of benign missense variation.